The following is an entry in ClinVar:

NM_022051.3(EGLN1):c.1113C>T (p.Arg371=)

Gene: EGLN1 (egl-9 family hypoxia inducible factor 1; minus strand). Cytogenetic location: 1q42.2.
Variant type: single nucleotide variant.
Coding change: c.1113C>T on transcript NM_022051.3 (MANE Select); coding-DNA position 1113, C replaced by T.
Protein change: p.Arg371=; no amino-acid change (arginine 371 retained).
Molecular consequence: synonymous variant. On other transcripts: intron variant (1).
Genome position (GRCh38, 1-based): chr1:231,370,597, G>A on the plus strand (C>T on the coding strand, the complement: EGLN1 is on the minus strand). VCF-style: chr1-231370597-G-A. GRCh37 (hg19) VCF-style: chr1-231506343-G-A.
Other names: p.Arg371=; c.1113C>T, p.Arg371= (NM_001377260.1); c.1012-2961C>T (NM_001377261.1).
Identifiers: ClinVar variation 296186 (VCV000296186.42), dbSNP rs143991968, ClinGen allele CA1453019.

ClinVar aggregate classification (germline): Benign/Likely benign. Review status: criteria provided, multiple submitters, no conflicts (2 of 4 stars). 7 submissions from 7 submitters: Benign (3); Likely benign (4). Last evaluated 2026-08-01.

Conditions:
Erythrocytosis, familial, 3 (ECYT3). Identifiers: Orphanet 247511, MedGen C1853286, MONDO:0012353, OMIM 609820.

Allele frequency attached by ClinVar (database versions not stated): 1000 Genomes Project 30x 0.00078; 1000 Genomes Project 0.00080; ESP Exome Variant Server 0.00154; gnomAD exomes 0.00175 and 0.00255; TOPMed 0.00177; gnomAD 0.00186 and 0.00206; ExAC 0.00213.
gnomAD v4.1: 3,964 of 1,614,020 alleles (0.25%); highest among the groups gnomAD compares: Non-Finnish European, 0.31%; 7 homozygotes.

Submissions (7):

CeGaT Center for Human Genetics Tuebingen
Classification: Likely benign. Last evaluated: 2026-08-01. Review status: criteria provided, single submitter. Criteria: CeGaT Center For Human Genetics Tuebingen Variant Classification Criteria Version 2. Collection method: clinical testing. Allele origin: germline. Affected: yes. Observed: 25 variant alleles.
Comment: EGLN1: BP4, BP7

Labcorp Genetics (formerly Invitae), Labcorp
Classification: Benign for Erythrocytosis, familial, 3. Last evaluated: 2026-01-14. Review status: criteria provided, single submitter. Criteria: Invitae Variant Classification Sherloc (09022015). Collection method: clinical testing. Allele origin: germline.

Mayo Clinic Laboratories, Mayo Clinic
Classification: Likely benign. Last evaluated: 2025-09-16. Review status: criteria provided, single submitter. Criteria: ACMG Guidelines, 2015. Collection method: clinical testing. Allele origin: germline. Observed: 2 variant alleles.
Comment: BP4, BP7

ARUP Laboratories, Molecular Genetics and Genomics, ARUP Laboratories
Classification: Benign. Last evaluated: 2025-07-24. Review status: criteria provided, single submitter. Criteria: ARUP Molecular Germline Variant Investigation Process 2024. Collection method: clinical testing. Allele origin: germline.

Ambry Genetics
Classification: Likely benign. Last evaluated: 2024-12-03. Review status: criteria provided, single submitter. Criteria: Ambry Variant Classification Scheme 2023. Collection method: clinical testing. Allele origin: germline.

Blueprint Genetics
Classification: Likely benign. Last evaluated: 2024-11-19. Review status: criteria provided, single submitter. Criteria: ACMG Guidelines, 2015. Collection method: clinical testing. Allele origin: germline.

Illumina Laboratory Services, Illumina
Classification: Benign for Erythrocytosis, familial, 3. Last evaluated: 2018-01-13. Review status: criteria provided, single submitter. Criteria: ICSL Variant Classification Criteria 13 December 2019. Collection method: clinical testing. Allele origin: germline.
Comment: This variant was observed in the ICSL laboratory as part of a predisposition screen in an ostensibly healthy population. It had not been previously curated by ICSL or reported in the Human Gene Mutation Database (HGMD: prior to June 1st, 2018), and was therefore a candidate for classification through an automated scoring system. Utilizing variant allele frequency, disease prevalence and penetrance estimates, and inheritance mode, an automated score was calculated to assess if this variant is too frequent to cause the disease. Based on the score and internal cut-off values, a variant classified as benign is not then subjected to further curation. The score for this variant resulted in a classification of benign for this disease.